The following is an entry in ClinVar:

NM_004961.4(GABRE):c.184G>T (p.Gly62Trp)

Gene: GABRE (gamma-aminobutyric acid type A receptor subunit epsilon; minus strand). Cytogenetic location: Xq28.
Variant type: single nucleotide variant.
Coding change: c.184G>T on transcript NM_004961.4 (MANE Select); coding-DNA position 184, G replaced by T.
Protein change: p.Gly62Trp; replaces glycine 62 with tryptophan.
Molecular consequence: missense variant.
Genome position (GRCh38, 1-based): chrX:151,970,275, C>A on the plus strand (G>T on the coding strand, the complement: GABRE is on the minus strand). VCF-style: chrX-151970275-C-A. GRCh37 (hg19) VCF-style: chrX-151138747-C-A.
Other names: short protein forms G62W.
Identifiers: ClinVar variation 2661664 (VCV002661664.24), dbSNP rs761819053, ClinGen allele CA10542689.

ClinVar aggregate classification (germline): Uncertain significance (1 of 4 stars; one submission).

Allele frequency attached by ClinVar (database versions not stated): gnomAD exomes below 0.00001; ExAC 0.00001.
gnomAD v4.1: 2 of 1,211,983 alleles (0.00017%); highest among the groups gnomAD compares: South Asian, 0.0035%; no homozygotes.

Submission:

CeGaT Center for Human Genetics Tuebingen
Classification: Uncertain significance. Last evaluated: 2023-09-01. Review status: criteria provided, single submitter. Criteria: CeGaT Center For Human Genetics Tuebingen Variant Classification Criteria Version 2. Collection method: clinical testing. Allele origin: germline. Affected: yes. Observed: 1 variant allele.
Comment: GABRE: PM2, BP4